The following is an entry in ClinVar:

ClinVar aggregate classification (germline): Conflicting classifications of pathogenicity. Review status: criteria provided, conflicting classifications (1 of 4 stars). 3 submissions from 3 submitters: Uncertain significance (2); Likely benign (1). Last evaluated 2026-07-07.

Conditions:
Hereditary diffuse gastric adenocarcinoma (HDGC). Also called: DIFFUSE GASTRIC AND LOBULAR BREAST CANCER SYNDROME. Identifiers: Orphanet 26106, MedGen C1708349, MONDO:0007648, OMIM 137215.
Hereditary cancer-predisposing syndrome. Also called: Neoplastic Syndromes, Hereditary; Hereditary neoplastic syndrome; Hereditary Cancer Syndrome; Tumor predisposition. Identifiers: Orphanet 140162, MedGen C0027672, MeSH D009386, MONDO:0015356.

gnomAD v4.1: 6 of 1,613,596 alleles (0.00037%); highest among the groups gnomAD compares: East Asian, 0.0067%; no homozygotes.

Submissions (3):

Ambry Genetics
Classification: Likely benign for Hereditary cancer-predisposing syndrome. Last evaluated: 2026-07-07. Review status: criteria provided, single submitter. Criteria: Ambry Variant Classification Scheme 2023. Collection method: clinical testing. Allele origin: germline.

Labcorp Genetics (formerly Invitae), Labcorp
Classification: Uncertain significance for Hereditary diffuse gastric adenocarcinoma. Last evaluated: 2025-05-19. Review status: criteria provided, single submitter. Criteria: Invitae Variant Classification Sherloc (09022015). Collection method: clinical testing. Allele origin: germline.
Comment: This sequence change replaces proline, which is neutral and non-polar, with glutamine, which is neutral and polar, at codon 126 of the CDH1 protein (p.Pro126Gln). This variant is present in population databases (rs746703615, gnomAD 0.007%). This missense change has been observed in individual(s) with breast cancer (PMID: 30287823). ClinVar contains an entry for this variant (Variation ID: 463778). An algorithm developed to predict the effect of missense changes on protein structure and function outputs the following: PolyPhen-2: "Benign". The glutamine amino acid residue is found in multiple mammalian species, which suggests that this missense change does not adversely affect protein function. RNA analysis performed to evaluate the impact of this missense change on mRNA splicing indicates it does not significantly alter splicing (internal data). In summary, the available evidence is currently insufficient to determine the role of this variant in disease. Therefore, it has been classified as a Variant of Uncertain Significance.

Color Diagnostics, LLC DBA Color Health
Classification: Uncertain significance for Hereditary cancer-predisposing syndrome. Last evaluated: 2022-03-30. Review status: criteria provided, single submitter. Criteria: ACMG Guidelines, 2015. Collection method: clinical testing. Allele origin: germline.
Comment: This missense variant replaces proline with glutamine at codon 126 of the CDH1 protein. To our knowledge, functional studies have not been reported for this variant. This variant has not been reported in individuals affected with hereditary cancer in the literature. This variant has been identified in 2/250648 chromosomes in the general population by the Genome Aggregation Database (gnomAD). The available evidence is insufficient to determine the role of this variant in disease conclusively. Therefore, this variant is classified as a Variant of Uncertain Significance.

Literature cited by the submitters: PubMed 30287823 (cited by Ambry Genetics and Labcorp Genetics (formerly Invitae), Labcorp).

NM_004360.5(CDH1):c.377C>A (p.Pro126Gln)

Gene: CDH1 (cadherin 1; plus strand). Cytogenetic location: 16q22.1.
Variant type: single nucleotide variant.
Coding change: c.377C>A on transcript NM_004360.5 (MANE Select); coding-DNA position 377, C replaced by A.
Protein change: p.Pro126Gln; replaces proline 126 with glutamine.
Molecular consequence: missense variant. On other transcripts: 5 prime UTR variant (2).
Genome position (GRCh38, 1-based): chr16:68,801,883, C>A. VCF-style: chr16-68801883-C-A. GRCh37 (hg19) VCF-style: chr16-68835786-C-A.
Other names: c.377C>A (LRG_301t1); c.377C>A, p.Pro126Gln (NM_001317184.2); c.-1239C>A (NM_001317185.2); c.-1443C>A (NM_001317186.2); short protein forms P126Q.
Identifiers: ClinVar variation 463778 (VCV000463778.14), dbSNP rs746703615, ClinGen allele CA8129839.
Genomic context (GRCh38, chr16:68,801,883, plus strand): 5'-CCTACAGAAAGTTTTCCACCAAAGTCACGCTGAATACAGTGGGGCACCACCACCGCCCCC[C>A]GCCCCATCAGGTATGTTGGCATTTTTCTGAGAAGTTCGCTGTTGTTTTAGTGCGCTGTCT-3'
Protein context (NP_004351.1, residues 116-136): LNTVGHHHRP[Pro126Gln]PHQASVSGIQ